The following is an entry in ClinVar:

NM_016630.7(SPG21):c.909C>T (p.Ile303=)

Gene: SPG21 (SPG21 abhydrolase domain containing, maspardin; minus strand). Cytogenetic location: 15q22.31.
Variant type: single nucleotide variant.
Coding change: c.909C>T on transcript NM_016630.7 (MANE Select); coding-DNA position 909, C replaced by T.
Protein change: p.Ile303=; no amino-acid change (isoleucine 303 retained).
Molecular consequence: synonymous variant.
Genome position (GRCh38, 1-based): chr15:64,963,638, G>A on the plus strand (C>T on the coding strand, the complement: SPG21 is on the minus strand). VCF-style: chr15-64963638-G-A. GRCh37 (hg19) VCF-style: chr15-65255979-G-A.
Other names: c.909C>T, p.Ile303= (NM_001127889.5); c.828C>T, p.Ile276= (NM_001127890.5).
Identifiers: ClinVar variation 3031834 (VCV003031834.2), dbSNP rs367966974, ClinGen allele CA7612851.
Genomic context (GRCh38, chr15:64,963,638, plus strand): 5'-AGAACACACCGGGTCAACTCATCATTGACAGCGAGAGACACACTACTGCTCCTCCTGGCT[G>A]ATGCCAAGGCTGCCTTTCTGCACCTCAAGCTCCTCGGCACTGACCATTGATGGGTCAATG-3'
Protein context (NP_057714.1, residues 293-308): ELEVQKGSLG[Ile303=]SQEEQ

ClinVar aggregate classification (germline): Likely benign (0 of 4 stars; one submission).

Conditions:
SPG21-related disorder. Also called: SPG21-related condition.

Allele frequency attached by ClinVar (database versions not stated): gnomAD exomes below 0.00001; ExAC 0.00001; TOPMed 0.00002; gnomAD 0.00003; ESP Exome Variant Server 0.00008.
gnomAD v4.1: 9 of 1,613,860 alleles (0.00056%); highest among the groups gnomAD compares: Non-Finnish European, 0.00076%; no homozygotes.

Submission:

PreventionGenetics, part of Exact Sciences
Classification: Likely benign for SPG21-related condition. Last evaluated: 2022-08-09. Review status: no assertion criteria provided. Collection method: clinical testing. Allele origin: germline.
Comment: This variant is classified as likely benign based on ACMG/AMP sequence variant interpretation guidelines (Richards et al. 2015 PMID: 25741868, with internal and published modifications).